The following is an entry in ClinVar:

NM_004006.3(DMD):c.29G>C (p.Cys10Ser)

Gene: DMD (dystrophin; minus strand). Cytogenetic location: Xp21.1.
Variant type: single nucleotide variant.
Coding change: c.29G>C on transcript NM_004006.3 (MANE Select); coding-DNA position 29, G replaced by C.
Protein change: p.Cys10Ser; replaces cysteine 10 with serine.
Molecular consequence: missense variant. On other transcripts: intron variant (1).
Genome position (GRCh38, 1-based): chrX:33,211,284, C>G on the plus strand (G>C on the coding strand, the complement: DMD is on the minus strand). VCF-style: chrX-33211284-C-G. GRCh37 (hg19) VCF-style: chrX-33229401-C-G.
Other names: c.7+127975G>C (NM_000109.4); short protein forms C10S.
Identifiers: ClinVar variation 193264 (VCV000193264.11), dbSNP rs794726909, ClinGen allele CA238779.

ClinVar aggregate classification (germline): Uncertain significance. Review status: criteria provided, multiple submitters, no conflicts (2 of 4 stars). 3 submissions from 3 submitters: Uncertain significance (2). 1 of the submissions does not count toward it. Last evaluated 2023-08-04.

Conditions:
Cardiomyopathy (CMYO). Also called: Cardiomyopathies. Identifiers: Orphanet 167848, MedGen C0878544, MONDO:0004994, HP:0001638. Inheritance: Various modes of inheritance.
Duchenne muscular dystrophy (DMD). Also called: MUSCULAR DYSTROPHY, PSEUDOHYPERTROPHIC PROGRESSIVE, DUCHENNE TYPE; Duchenne Muscular Dystrophy (DMD). Identifiers: Orphanet 98896, MedGen C0013264, MONDO:0010679, OMIM 310200.
Becker muscular dystrophy (BMD). Also called: Becker Muscular Dystrophy (BMD); MUSCULAR DYSTROPHY, PSEUDOHYPERTROPHIC PROGRESSIVE, BECKER TYPE. Identifiers: Orphanet 98895, MedGen C0917713, MONDO:0010311, OMIM 300376.
Dystrophin deficiency.

Allele frequency attached by ClinVar (database versions not stated): gnomAD exomes below 0.00001.
gnomAD v4.1: 3 of 1,209,202 alleles (0.00025%); highest among the groups gnomAD compares: Middle Eastern, 0.069%; no homozygotes.

Submissions (3):

Labcorp Genetics (formerly Invitae), Labcorp
Classification: Uncertain significance for Duchenne muscular dystrophy. Last evaluated: 2023-08-04. Review status: criteria provided, single submitter. Criteria: Invitae Variant Classification Sherloc (09022015). Collection method: clinical testing. Allele origin: germline.
Comment: This sequence change replaces cysteine, which is neutral and slightly polar, with serine, which is neutral and polar, at codon 10 of the DMD protein (p.Cys10Ser). This variant is not present in population databases (gnomAD no frequency). This variant has not been reported in the literature in individuals affected with DMD-related conditions. ClinVar contains an entry for this variant (Variation ID: 193264). Advanced modeling of protein sequence and biophysical properties (such as structural, functional, and spatial information, amino acid conservation, physicochemical variation, residue mobility, and thermodynamic stability) performed at Invitae indicates that this missense variant is not expected to disrupt DMD protein function. In summary, the available evidence is currently insufficient to determine the role of this variant in disease. Therefore, it has been classified as a Variant of Uncertain Significance.

Eurofins Ntd Llc (ga)
Classification: Uncertain significance. Last evaluated: 2015-05-05. Review status: criteria provided, single submitter. Criteria: EGL Classification Definitions 2015. Collection method: clinical testing. Allele origin: germline. Observed: 1 variant allele, 1 hemizygote.

Natera, Inc.
Classification: Uncertain significance for Becker muscular dystrophy; Cardiomyopathy; Duchenne muscular dystrophy; Dystrophin deficiency. Last evaluated: 2019-02-06. Review status: no assertion criteria provided. Collection method: clinical testing. Allele origin: germline. Not counted in ClinVar's aggregate classification.